The following is an entry in ClinVar:

NM_024528.4(NKAP):c.518C>T (p.Thr173Ile)

Gene: NKAP (NFKB activating protein; minus strand). Cytogenetic location: Xq24.
Variant type: single nucleotide variant.
Coding change: c.518C>T on transcript NM_024528.4 (MANE Select); coding-DNA position 518, C replaced by T.
Protein change: p.Thr173Ile; replaces threonine 173 with isoleucine.
Molecular consequence: missense variant.
Genome position (GRCh38, 1-based): chrX:119,936,632, G>A on the plus strand (C>T on the coding strand, the complement: NKAP is on the minus strand). VCF-style: chrX-119936632-G-A. GRCh37 (hg19) VCF-style: chrX-119070595-G-A.
Other names: short protein forms T173I.
Identifiers: ClinVar variation 4875453 (VCV004875453.2).

ClinVar aggregate classification (germline): Uncertain significance (1 of 4 stars; one submission).

Submission:

CeGaT Center for Human Genetics Tuebingen
Classification: Uncertain significance. Last evaluated: 2026-06-01. Review status: criteria provided, single submitter. Criteria: CeGaT Center For Human Genetics Tuebingen Variant Classification Criteria Version 2. Collection method: clinical testing. Allele origin: germline. Affected: yes. Observed: 1 variant allele.
Comment: NKAP: PM2, PP2, BP4